The following is an entry in ClinVar:

ClinVar aggregate classification (germline): Pathogenic (1 of 4 stars; one submission).

Conditions:
Camptomelic dysplasia (CMPD). Also called: CMPD1/SRA1; Campomelic Dysplasia. Identifiers: Orphanet 140, MedGen C1861922, MONDO:0007251, OMIM 114290.

Submission:

Labcorp Genetics (formerly Invitae), Labcorp
Classification: Pathogenic for Camptomelic dysplasia. Last evaluated: 2022-10-31. Review status: criteria provided, single submitter. Criteria: Invitae Variant Classification Sherloc (09022015). Collection method: clinical testing. Allele origin: germline.
Comment: For these reasons, this variant has been classified as Pathogenic. This variant disrupts a region of the SOX9 protein in which other variant(s) (p.Gln412*) have been determined to be pathogenic (PMID: 31389106). This suggests that this is a clinically significant region of the protein, and that variants that disrupt it are likely to be disease-causing. Variants that disrupt the consensus splice site are a relatively common cause of aberrant splicing (PMID: 17576681, 9536098). Algorithms developed to predict the effect of sequence changes on RNA splicing suggest that this variant may disrupt the consensus splice site. Disruption of this splice site has been observed in individual(s) with campomelic dysplasia (PMID: 8001137). This variant is not present in population databases (gnomAD no frequency). This sequence change affects a donor splice site in intron 2 of the SOX9 gene. While this variant is not anticipated to result in nonsense mediated decay, it likely alters RNA splicing and results in a disrupted protein product.

Literature cited by the submitters: PubMed 31389106; PubMed 17576681; PubMed 9536098; PubMed 8001137.

NM_000346.4(SOX9):c.685+1G>A

Gene: SOX9 (SRY-box transcription factor 9; plus strand). Cytogenetic location: 17q24.3.
Variant type: single nucleotide variant.
Coding change: c.685+1G>A on transcript NM_000346.4 (MANE Select); the canonical splice donor site of the intron after coding-DNA position 685, G replaced by A.
Molecular consequence: splice donor variant.
Genome position (GRCh38, 1-based): chr17:72,122,973, G>A. VCF-style: chr17-72122973-G-A. GRCh37 (hg19) VCF-style: chr17-70119114-G-A.
Identifiers: ClinVar variation 2736641 (VCV002736641.3), dbSNP rs2143247518, ClinGen allele CA400866822.